The following is an entry in ClinVar:

NM_199420.4(POLQ):c.680G>A (p.Gly227Glu)

Gene: POLQ (DNA polymerase theta; minus strand). Cytogenetic location: 3q13.33.
Variant type: single nucleotide variant.
Coding change: c.680G>A on transcript NM_199420.4 (MANE Select); coding-DNA position 680, G replaced by A.
Protein change: p.Gly227Glu; replaces glycine 227 with glutamic acid.
Molecular consequence: missense variant.
Genome position (GRCh38, 1-based): chr3:121,537,160, C>T on the plus strand (G>A on the coding strand, the complement: POLQ is on the minus strand). VCF-style: chr3-121537160-C-T. GRCh37 (hg19) VCF-style: chr3-121256007-C-T.
Other names: short protein forms G227E.
Identifiers: ClinVar variation 2625797 (VCV002625797.2), dbSNP rs2546822768, ClinGen allele CA354090581.

ClinVar aggregate classification (germline): Uncertain significance (1 of 4 stars; one submission).

Submission:

Ambry Genetics
Classification: Uncertain significance. Last evaluated: 2023-06-17. Review status: criteria provided, single submitter. Criteria: Ambry Variant Classification Scheme 2023. Collection method: clinical testing. Allele origin: germline.
Comment: The p.G227E variant (also known as c.680G>A), located in coding exon 5 of the POLQ gene, results from a G to A substitution at nucleotide position 680. The glycine at codon 227 is replaced by glutamic acid, an amino acid with similar properties. This amino acid position is conserved. In addition, the in silico prediction for this alteration is inconclusive. Since supporting evidence is limited at this time, the clinical significance of this alteration remains unclear.